The following is an entry in ClinVar:

NM_152564.5(VPS13B):c.1531G>A (p.Ala511Thr)

Gene: VPS13B (vacuolar protein sorting 13 homolog B; plus strand). Cytogenetic location: 8q22.2.
Variant type: single nucleotide variant.
Coding change: c.1531G>A on transcript NM_152564.5 (MANE Select); coding-DNA position 1531, G replaced by A.
Protein change: p.Ala511Thr; replaces alanine 511 with threonine.
Molecular consequence: missense variant.
Genome position (GRCh38, 1-based): chr8:99,135,701, G>A. VCF-style: chr8-99135701-G-A. GRCh37 (hg19) VCF-style: chr8-100147929-G-A.
Other names: c.1531G>A, p.Ala511Thr (NM_015243.3, NM_017890.5); c.1531G>A (NM_152564.4); short protein forms A511T.
Identifiers: ClinVar variation 943182 (VCV000943182.9), dbSNP rs368241718, ClinGen allele CA4822648.
Genomic context (GRCh38, chr8:99,135,701, plus strand): 5'-TTCACATACCTTACAAATTCATTGTTTGATTACCGAAGCCCAGAAAATAATGGTACTCGC[G>A]CAGAATTTATCTTGGATTCAACTCATCATAAGGTTAGAGAATATATATTTGAACCAAATT-3'
Protein context (NP_689777.3, residues 501-521): YRSPENNGTR[Ala511Thr]EFILDSTHHK

ClinVar aggregate classification (germline): Uncertain significance. Review status: criteria provided, multiple submitters, no conflicts (2 of 4 stars). 3 submissions from 3 submitters: Uncertain significance (2). 1 of the submissions does not count toward it. Last evaluated 2025-02-06.

Conditions:
VPS13B-related disorder. Also called: VPS13B-related condition.
Cohen syndrome (COH1). Also called: Cutis verticis gyrata, retinitis pigmentosa, and sensorineural deafness; PEPPER SYNDROME. Identifiers: Orphanet 193, MedGen C0265223, MONDO:0008999, OMIM 216550.

Allele frequency attached by ClinVar (database versions not stated): gnomAD exomes 0.00001 and 0.00002; ExAC 0.00002; gnomAD 0.00002; TOPMed 0.00002; ESP Exome Variant Server 0.00008.
gnomAD v4.1: 17 of 1,613,090 alleles (0.0011%); highest among the groups gnomAD compares: African/African-American, 0.0094%; no homozygotes.

Submissions (3):

PreventionGenetics, part of Exact Sciences
Classification: Uncertain significance for VPS13B-related condition. Last evaluated: 2025-02-06. Review status: criteria provided, single submitter. Criteria: ACMG Guidelines, 2015. Collection method: clinical testing. Allele origin: germline.
Comment: The VPS13B c.1531G>A variant is predicted to result in the amino acid substitution p.Ala511Thr. To our knowledge, this variant has not been reported in the literature. This variant is reported in 0.0065% of alleles in individuals of South Asian descent in gnomAD. At this time, the clinical significance of this variant is uncertain due to the absence of conclusive functional and genetic evidence.

Labcorp Genetics (formerly Invitae), Labcorp
Classification: Uncertain significance for Cohen syndrome. Last evaluated: 2022-02-24. Review status: criteria provided, single submitter. Criteria: Invitae Variant Classification Sherloc (09022015). Collection method: clinical testing. Allele origin: germline.
Comment: This sequence change replaces alanine, which is neutral and non-polar, with threonine, which is neutral and polar, at codon 511 of the VPS13B protein (p.Ala511Thr). This variant is present in population databases (rs368241718, gnomAD 0.007%). This variant has not been reported in the literature in individuals affected with VPS13B-related conditions. ClinVar contains an entry for this variant (Variation ID: 943182). Algorithms developed to predict the effect of missense changes on protein structure and function are either unavailable or do not agree on the potential impact of this missense change (SIFT: "Not Available"; PolyPhen-2: "Possibly Damaging"; Align-GVGD: "Not Available"). In summary, the available evidence is currently insufficient to determine the role of this variant in disease. Therefore, it has been classified as a Variant of Uncertain Significance.

Natera, Inc.
Classification: Uncertain significance for Cohen syndrome. Last evaluated: 2020-01-10. Review status: no assertion criteria provided. Collection method: clinical testing. Allele origin: germline. Not counted in ClinVar's aggregate classification.